The following is an entry in ClinVar:

NM_006231.4(POLE):c.3048_3049delinsAA (p.Leu1017Met)

Gene: POLE (DNA polymerase epsilon, catalytic subunit; minus strand). Cytogenetic location: 12q24.33.
Variant type: Indel.
Coding change: c.3048_3049delinsAA on transcript NM_006231.4 (MANE Select); coding-DNA positions 3048 to 3049, GC replaced by AA.
Protein change: p.Leu1017Met; replaces leucine 1017 with methionine.
Molecular consequence: missense variant.
Genome position (GRCh38, 1-based): chr12:132,660,980-132,660,981, GC replaced by TT on the plus strand (GC replaced by AA on the coding strand, the reverse complement: POLE is on the minus strand). VCF-style: chr12-132660980-GC-TT. GRCh37 (hg19) VCF-style: chr12-133237566-GC-TT.
Other names: c.3048_3049delGCinsAA (NM_006231.2); short protein forms L1017M.
Identifiers: ClinVar variation 859317 (VCV000859317.10), dbSNP rs2042665099, ClinGen allele CA916082358.
Genomic context (GRCh38, chr12:132,660,980, plus strand): 5'-TTCATCCTTCATCCCTCAGAGCAGGTGAGGGTGGAGGGTAGGCCTTTACCTTGCTGTACA[GC>TT]ACGTCCAGCCAGTAGTCAGCCACCTTGGCTACAGAGCCATACACCTCTTCCAGCGTGCTG-3'
Protein context (NP_006222.2, residues 1007-1027): AKVADYWLDV[Leu1017Met]YSKAANMPDS

ClinVar aggregate classification (germline): Uncertain significance. Review status: criteria provided, multiple submitters, no conflicts (2 of 4 stars). 2 submissions from 2 submitters: Uncertain significance (2). Last evaluated 2025-10-21.

Conditions:
Hereditary cancer-predisposing syndrome. Also called: Tumor predisposition; Hereditary neoplastic syndrome; Neoplastic Syndromes, Hereditary; Hereditary Cancer Syndrome. Identifiers: Orphanet 140162, MedGen C0027672, MeSH D009386, MONDO:0015356.

Submissions (2):

Ambry Genetics
Classification: Uncertain significance for Hereditary cancer-predisposing syndrome. Last evaluated: 2025-10-21. Review status: criteria provided, single submitter. Criteria: Ambry Variant Classification Scheme 2023. Collection method: clinical testing. Allele origin: germline.
Comment: The c.3048_3049delGCinsAA variant (also known as p.L1017M), located in coding exon 25 of the POLE gene, results from an in-frame deletion of GC and insertion of AA at nucleotide positions 3048 to 3049. This results in the substitution of the leucine residue for a methionine residue at codon 1017, an amino acid with highly similar properties. This amino acid position is highly conserved in available vertebrate species. In addition, this alteration is predicted to be tolerated by in silico analysis. Based on the available evidence, the clinical significance of this variant remains unclear.

Labcorp Genetics (formerly Invitae), Labcorp
Classification: Uncertain significance. Last evaluated: 2024-04-15. Review status: criteria provided, single submitter. Criteria: Invitae Variant Classification Sherloc (09022015). Collection method: clinical testing. Allele origin: germline.
Comment: This sequence change replaces leucine, which is neutral and non-polar, with methionine, which is neutral and non-polar, at codon 1017 of the POLE protein (p.Leu1017Met). Information on the frequency of this variant in the gnomAD database is not available, as this variant may be reported differently in the database. This variant has not been reported in the literature in individuals affected with POLE-related conditions. ClinVar contains an entry for this variant (Variation ID: 859317). Experimental studies and prediction algorithms are not available or were not evaluated, and the functional significance of this variant is currently unknown. In summary, the available evidence is currently insufficient to determine the role of this variant in disease. Therefore, it has been classified as a Variant of Uncertain Significance.